The following is an entry in ClinVar:

NM_014423.4(AFF4):c.674G>A (p.Arg225His)

Gene: AFF4 (ALF transcription elongation factor 4; minus strand). Cytogenetic location: 5q31.1.
Variant type: single nucleotide variant.
Coding change: c.674G>A on transcript NM_014423.4 (MANE Select); coding-DNA position 674, G replaced by A.
Protein change: p.Arg225His; replaces arginine 225 with histidine.
Molecular consequence: missense variant.
Genome position (GRCh38, 1-based): chr5:132,934,391, C>T on the plus strand (G>A on the coding strand, the complement: AFF4 is on the minus strand). VCF-style: chr5-132934391-C-T. GRCh37 (hg19) VCF-style: chr5-132270083-C-T.
Other names: c.674G>A (NM_014423.3); short protein forms R225H.
Identifiers: ClinVar variation 2151786 (VCV002151786.6), dbSNP rs780771766, ClinGen allele CA3409391.
Genomic context (GRCh38, chr5:132,934,391, plus strand): 5'-TTTGACATCAATGAGGGTGGGAAAGATTGAGTTGAGTGCTGCCCACTTGAAAAAGGTACA[C>T]GGGAAGGAGAATCCCAGTTTGCATCAGGGTCCCGAGGTGATTTGGAGCGTTGATGTTCCT-3'
Protein context (NP_055238.1, residues 215-235): DPDANWDSPS[Arg225His]VPFSSGQHST

ClinVar aggregate classification (germline): Uncertain significance. Review status: criteria provided, multiple submitters, no conflicts (2 of 4 stars). 3 submissions from 3 submitters: Uncertain significance (3). Last evaluated 2026-08-19.

Conditions:
Inborn genetic diseases. Identifiers: MedGen C0950123, MeSH D030342.
Cognitive impairment - coarse facies - heart defects - obesity - pulmonary involvement - short stature - skeletal dysplasia syndrome. Also called: COGNITIVE IMPAIRMENT, COARSE FACIES, HEART DEFECTS, OBESITY, PULMONARY INVOLVEMENT, SHORT STATURE, AND SKELETAL DYSPLASIA; AFF4-Related CHOPS Syndrome; Chops syndrome. Identifiers: Orphanet 444077, MedGen C4085597, MONDO:0014609, OMIM 616368.
AFF4-related disorder. Also called: AFF4-related condition.

Allele frequency attached by ClinVar (database versions not stated): ExAC 0.00002; gnomAD 0.00002; TOPMed 0.00001.
gnomAD v4.1: 17 of 1,613,982 alleles (0.0011%); highest among the groups gnomAD compares: Middle Eastern, 0.016%; no homozygotes.

Submissions (3):

PreventionGenetics, part of Exact Sciences
Classification: Uncertain significance for AFF4-related condition. Last evaluated: 2026-08-19. Review status: criteria provided, single submitter. Criteria: ACMG Guidelines, 2015. Collection method: clinical testing. Allele origin: germline.
Comment: The AFF4 c.674G>A variant is predicted to result in the amino acid substitution p.Arg225His. To our knowledge, this variant has not been reported in the literature. This variant is reported in 0.0050% of alleles in individuals of East Asian descent in gnomAD. At this time, the clinical significance of this variant is uncertain due to the absence of conclusive functional and genetic evidence.

Ambry Genetics
Classification: Uncertain significance for Inborn genetic diseases. Last evaluated: 2024-08-21. Review status: criteria provided, single submitter. Criteria: Ambry Variant Classification Scheme 2023. Collection method: clinical testing. Allele origin: germline.

Labcorp Genetics (formerly Invitae), Labcorp
Classification: Uncertain significance for Cognitive impairment - coarse facies - heart defects - obesity - pulmonary involvement - short stature - skeletal dysplasia syndrome. Last evaluated: 2022-11-08. Review status: criteria provided, single submitter. Criteria: Invitae Variant Classification Sherloc (09022015). Collection method: clinical testing. Allele origin: germline.
Comment: In summary, the available evidence is currently insufficient to determine the role of this variant in disease. Therefore, it has been classified as a Variant of Uncertain Significance. Advanced modeling of protein sequence and biophysical properties (such as structural, functional, and spatial information, amino acid conservation, physicochemical variation, residue mobility, and thermodynamic stability) performed at Invitae indicates that this missense variant is expected to disrupt AFF4 protein function. This variant has not been reported in the literature in individuals affected with AFF4-related conditions. This variant is present in population databases (rs780771766, gnomAD 0.005%). This sequence change replaces arginine, which is basic and polar, with histidine, which is basic and polar, at codon 225 of the AFF4 protein (p.Arg225His).